The following is an entry in ClinVar:

ClinVar aggregate classification (germline): Uncertain significance (1 of 4 stars; one submission).

Conditions:
NRP1-related disorder. Also called: NRP1-related condition.

gnomAD v4.1: 3 of 1,574,990 alleles (0.00019%); highest among the groups gnomAD compares: Admixed American, 0.0037%; no homozygotes.

Submission:

PreventionGenetics, part of Exact Sciences
Classification: Uncertain significance for NRP1-related condition. Last evaluated: 2026-07-14. Review status: criteria provided, single submitter. Criteria: ACMG Guidelines, 2015. Collection method: clinical testing. Allele origin: germline.
Comment: The NRP1 c.1288C>T variant is predicted to result in the amino acid substitution p.Pro430Ser. To our knowledge, this variant has not been reported in the literature. This variant is reported in 0.0035% of alleles in individuals of Latino descent in gnomAD. At this time, the clinical significance of this variant is uncertain due to the absence of conclusive functional and genetic evidence.

NM_003873.7(NRP1):c.1288C>T (p.Pro430Ser)

Gene: NRP1 (neuropilin 1; minus strand). Cytogenetic location: 10p11.22.
Variant type: single nucleotide variant.
Coding change: c.1288C>T on transcript NM_003873.7 (MANE Select); coding-DNA position 1288, C replaced by T.
Protein change: p.Pro430Ser; replaces proline 430 with serine.
Molecular consequence: missense variant. On other transcripts: non-coding transcript variant (1).
Genome position (GRCh38, 1-based): chr10:33,213,712, G>A on the plus strand (C>T on the coding strand, the complement: NRP1 is on the minus strand). VCF-style: chr10-33213712-G-A. GRCh37 (hg19) VCF-style: chr10-33502640-G-A.
Other names: c.1288C>T, p.Pro430Ser (NM_001024628.3, NM_001024629.3, NM_001244972.2 and 2 more transcripts); short protein forms P430S.
Identifiers: ClinVar variation 4998998 (VCV004998998.1).
Genomic context (GRCh38, chr10:33,213,712, plus strand): 5'-ATGATGTGATCTGGGAGTCAGAAATAAGTCCAGACACCATACCCAACATTCCAGAGCAAG[G>A]ATAATCTGGGAAGTGAAATGAAACAGATAATGTAAAATGATTTCCTGGGCGACTCCATGC-3'
Protein context (NP_003864.5, residues 420-440): EVYGCKITDY[Pro430Ser]CSGMLGMVSG